The following is an entry in ClinVar:

NM_000090.4(COL3A1):c.1486C>T (p.Pro496Ser)

Gene: COL3A1 (collagen type III alpha 1 chain; plus strand). Cytogenetic location: 2q32.2.
Variant type: single nucleotide variant.
Coding change: c.1486C>T on transcript NM_000090.4 (MANE Select); coding-DNA position 1486, C replaced by T.
Protein change: p.Pro496Ser; replaces proline 496 with serine.
Molecular consequence: missense variant.
Genome position (GRCh38, 1-based): chr2:188,995,076, C>T. VCF-style: chr2-188995076-C-T. GRCh37 (hg19) VCF-style: chr2-189859802-C-T.
Other names: short protein forms P496S.
Identifiers: ClinVar variation 2908508 (VCV002908508.3), dbSNP rs2469131364, ClinGen allele CA349852024.

ClinVar aggregate classification (germline): Uncertain significance (1 of 4 stars; one submission).

Conditions:
Ehlers-Danlos syndrome, type 4 (EDSVASC). Also called: Ehlers-Danlos syndrome vascular type; Ehlers Danlos syndrome, ecchymotic type; Ehlers Danlos syndrome, arterial type; Ehlers Danlos syndrome, Sack-Barabas type; Ehlers-Danlos Syndrome Type IV. Identifiers: Orphanet 286, MedGen C0268338, MONDO:0017314, OMIM 130050.

gnomAD v4.1: 10 of 1,614,166 alleles (0.00062%); highest among the groups gnomAD compares: Non-Finnish European, 0.00085%; no homozygotes.

Submission:

Labcorp Genetics (formerly Invitae), Labcorp
Classification: Uncertain significance for Ehlers-Danlos syndrome, type 4. Last evaluated: 2023-01-13. Review status: criteria provided, single submitter. Criteria: Invitae Variant Classification Sherloc (09022015). Collection method: clinical testing. Allele origin: germline.
Comment: This sequence change replaces proline, which is neutral and non-polar, with serine, which is neutral and polar, at codon 496 of the COL3A1 protein (p.Pro496Ser). This variant is not present in population databases (gnomAD no frequency). This variant has not been reported in the literature in individuals affected with COL3A1-related conditions. Advanced modeling of protein sequence and biophysical properties (such as structural, functional, and spatial information, amino acid conservation, physicochemical variation, residue mobility, and thermodynamic stability) performed at Invitae indicates that this missense variant is not expected to disrupt COL3A1 protein function. In summary, the available evidence is currently insufficient to determine the role of this variant in disease. Therefore, it has been classified as a Variant of Uncertain Significance.